The following is an entry in ClinVar:

ClinVar aggregate classification (germline): Likely pathogenic (1 of 4 stars; one submission).

Conditions:
Intellectual developmental disorder, autosomal dominant 55, with seizures. Also called: MENTAL RETARDATION, AUTOSOMAL DOMINANT 55, WITH SEIZURES; Intellectual disability, autosomal dominant 55, with seizures. Identifiers: MedGen C4693371, MONDO:0030921, OMIM 617831.

Submission:

Institute of Human Genetics, Heidelberg University
Classification: Likely pathogenic for Intellectual developmental disorder, autosomal dominant 55, with seizures. Last evaluated: 2026-01-05. Review status: criteria provided, single submitter. Criteria: ACMG Guidelines, 2015. Collection method: clinical testing. Allele origin: unknown. Affected: yes. Observed: 1 variant allele.
Comment: PVS1, PM2_supp

NM_138459.5(NUS1):c.369G>A (p.Trp123Ter)

Gene: NUS1 (NUS1 dehydrodolichyl diphosphate synthase subunit; plus strand). Cytogenetic location: 6q22.1.
Variant type: single nucleotide variant.
Coding change: c.369G>A on transcript NM_138459.5 (MANE Select); coding-DNA position 369, G replaced by A.
Protein change: p.Trp123Ter; replaces tryptophan 123 with a stop codon.
Molecular consequence: nonsense.
Genome position (GRCh38, 1-based): chr6:117,676,039, G>A. VCF-style: chr6-117676039-G-A. GRCh37 (hg19) VCF-style: chr6-117997202-G-A.
Other names: short protein forms W123*.
Identifiers: ClinVar variation 4819294 (VCV004819294.1).